The following is an entry in ClinVar:

NM_006904.7(PRKDC):c.1338C>A (p.Phe446Leu)

Gene: PRKDC (protein kinase, DNA-activated, catalytic subunit; minus strand). Cytogenetic location: 8q11.21.
Variant type: single nucleotide variant.
Coding change: c.1338C>A on transcript NM_006904.7 (MANE Select); coding-DNA position 1338, C replaced by A.
Protein change: p.Phe446Leu; replaces phenylalanine 446 with leucine.
Molecular consequence: missense variant.
Genome position (GRCh38, 1-based): chr8:47,935,841, G>T on the plus strand (C>A on the coding strand, the complement: PRKDC is on the minus strand). VCF-style: chr8-47935841-G-T. GRCh37 (hg19) VCF-style: chr8-48848401-G-T.
Other names: c.1338C>A, p.Phe446Leu (NM_001081640.2); short protein forms F446L.
Identifiers: ClinVar variation 475218 (VCV000475218.17), dbSNP rs61729514, ClinGen allele CA4741756.

ClinVar aggregate classification (germline): Benign/Likely benign. Review status: criteria provided, multiple submitters, no conflicts (2 of 4 stars). 4 submissions from 4 submitters: Benign (1); Likely benign (3). Last evaluated 2026-04-17.

Conditions:
Severe combined immunodeficiency due to DNA-PKcs deficiency. Also called: IMMUNODEFICIENCY 26 WITH NEUROLOGIC ABNORMALITIES; Immunodeficiency 26 with or without neurologic abnormalities. Identifiers: Orphanet 317425, MedGen C4014833, MONDO:0014423, OMIM 615966.

Allele frequency attached by ClinVar (database versions not stated): gnomAD exomes 0.00069; ExAC 0.00088; gnomAD 0.00198; TOPMed 0.00281; ESP Exome Variant Server 0.00318; 1000 Genomes Project 0.00359; 1000 Genomes Project 30x 0.00375.
gnomAD v4.1: 679 of 1,613,922 alleles (0.042%); highest among the groups gnomAD compares: African/African-American, 0.83%; 4 homozygotes.

Submissions (4):

Women's Health and Genetics/Laboratory Corporation of America, LabCorp
Classification: Likely benign. Last evaluated: 2026-04-17. Review status: criteria provided, single submitter. Criteria: LabCorp Variant Classification Summary - May 2015. Collection method: clinical testing. Allele origin: germline.
Comment: Variant summary: PRKDC c.1338C>A (p.Phe446Leu) results in a non-conservative amino acid change in the encoded protein sequence. Algorithms developed to predict the effect of missense changes on protein structure and function are either unavailable or do not agree on the potential impact of this missense change. The variant allele was found at a frequency of 0.00069 in 249048 control chromosomes, predominantly at a frequency of 0.01 within the African or African-American subpopulation in the gnomAD database, including 1 homozygotes. The observed variant frequency within African or African-American control individuals in the gnomAD database exceeds the estimated maximal expected allele frequency for disease-causing variants in PRKDC. c.1338C>A has been observed in individual(s) affected with primary immunodeficiency, without strong evidence for causality (Rudilla_2019). These report(s) do not provide unequivocal conclusions about association of the variant with Severe combined immunodeficiency due to DNA-PKcs deficiency. To our knowledge, no experimental evidence demonstrating an impact on protein function has been reported. The following publication has been ascertained in the context of this evaluation (PMID: 31681265). ClinVar contains an entry for this variant (Variation ID: 475218). Based on the evidence outlined above, the variant was classified as likely benign.

Labcorp Genetics (formerly Invitae), Labcorp
Classification: Benign for Severe combined immunodeficiency due to DNA-PKcs deficiency. Last evaluated: 2026-01-28. Review status: criteria provided, single submitter. Criteria: Invitae Variant Classification Sherloc (09022015). Collection method: clinical testing. Allele origin: germline.

Ambry Genetics
Classification: Likely benign. Last evaluated: 2025-08-07. Review status: criteria provided, single submitter. Criteria: Ambry Variant Classification Scheme 2023. Collection method: clinical testing. Allele origin: germline.

Blueprint Genetics
Classification: Likely benign. Last evaluated: 2024-11-05. Review status: criteria provided, single submitter. Criteria: ACMG Guidelines, 2015. Collection method: clinical testing. Allele origin: germline.

Literature cited by the submitters: PubMed 31681265 (cited by Women's Health and Genetics/Laboratory Corporation of America, LabCorp).